The following is an entry in ClinVar:

NM_001379270.1(CNGA1):c.1801A>C (p.Lys601Gln)

Genes: CNGA1 (cyclic nucleotide gated channel subunit alpha 1; minus strand), LOC101927157 (uncharacterized LOC101927157; plus strand). Cytogenetic location: 4p12.
Variant type: single nucleotide variant.
Coding change: c.1801A>C on transcript NM_001379270.1 (MANE Select); coding-DNA position 1801, A replaced by C.
Protein change: p.Lys601Gln; replaces lysine 601 with glutamine.
Molecular consequence: missense variant.
Genome position (GRCh38, 1-based): chr4:47,936,681, T>G on the plus strand (A>C on the coding strand, the complement: CNGA1 is on the minus strand). VCF-style: chr4-47936681-T-G. GRCh37 (hg19) VCF-style: chr4-47938698-T-G.
Other names: c.1801A>C, p.Lys601Gln (NM_000087.5, NM_001142564.2); short protein forms K601Q.
Identifiers: ClinVar variation 837226 (VCV000837226.6), dbSNP rs537196863, ClinGen allele CA2911011.

ClinVar aggregate classification (germline): Uncertain significance (1 of 4 stars; one submission).

Allele frequency attached by ClinVar (database versions not stated): ExAC 0.00001; gnomAD exomes 0.00001; gnomAD 0.00003 and 0.00004; TOPMed 0.00006; 1000 Genomes Project 30x 0.00031; 1000 Genomes Project 0.00040.

Submission:

Labcorp Genetics (formerly Invitae), Labcorp
Classification: Uncertain significance. Last evaluated: 2022-11-15. Review status: criteria provided, single submitter. Criteria: Invitae Variant Classification Sherloc (09022015). Collection method: clinical testing. Allele origin: germline.
Comment: In summary, the available evidence is currently insufficient to determine the role of this variant in disease. Therefore, it has been classified as a Variant of Uncertain Significance. Algorithms developed to predict the effect of missense changes on protein structure and function (SIFT, PolyPhen-2, Align-GVGD) all suggest that this variant is likely to be disruptive. ClinVar contains an entry for this variant (Variation ID: 837226). This variant has not been reported in the literature in individuals affected with CNGA1-related conditions. This variant is present in population databases (rs537196863, gnomAD 0.02%). This sequence change replaces lysine, which is basic and polar, with glutamine, which is neutral and polar, at codon 605 of the CNGA1 protein (p.Lys605Gln).